The following is an entry in ClinVar:

NM_002878.4(RAD51D):c.82+7G>C

Genes: RAD51D (RAD51 paralog D; minus strand), RAD51L3-RFFL (RAD51L3-RFFL readthrough; minus strand). Cytogenetic location: 17q12.
Variant type: single nucleotide variant.
Coding change: c.82+7G>C on transcript NM_002878.4 (MANE Select); 7 bases into the intron after coding-DNA position 82, G replaced by C.
Molecular consequence: intron variant.
Genome position (GRCh38, 1-based): chr17:35,119,525, C>G on the plus strand (G>C on the coding strand, the complement: RAD51D is on the minus strand). VCF-style: chr17-35119525-C-G. GRCh37 (hg19) VCF-style: chr17-33446544-C-G.
Other names: c.82+7G>C (NM_133629.3, NM_001142571.2).
Identifiers: ClinVar variation 2008949 (VCV002008949.5), dbSNP rs1567736277, ClinGen allele CA2580093278.

ClinVar aggregate classification (germline): Likely benign. Review status: criteria provided, multiple submitters, no conflicts (2 of 4 stars). 2 submissions from 2 submitters: Likely benign (2). Last evaluated 2025-02-20.

Conditions:
Breast-ovarian cancer, familial, susceptibility to, 4. Identifiers: Orphanet 145, MedGen C3280345, MONDO:0013669, OMIM 614291.

gnomAD v4.1: 1 of 1,611,218 alleles (0.000062%); no homozygotes.

Submissions (2):

Myriad Genetics, Inc.
Classification: Likely benign for Breast-ovarian cancer, familial, susceptibility to, 4. Last evaluated: 2025-02-20. Review status: criteria provided, single submitter. Criteria: Myriad Autosomal Dominant, Autosomal Recessive and X-Linked Classification Criteria (2023). Collection method: clinical testing. Allele origin: unknown.
Comment: This variant is considered likely benign. This variant is intronic and is not expected to impact mRNA splicing.

Labcorp Genetics (formerly Invitae), Labcorp
Classification: Likely benign for Breast-ovarian cancer, familial, susceptibility to, 4. Last evaluated: 2024-04-08. Review status: criteria provided, single submitter. Criteria: Invitae Variant Classification Sherloc (09022015). Collection method: clinical testing. Allele origin: germline.